The following is an entry in ClinVar:

NM_201384.3(PLEC):c.1042-4A>G

Gene: PLEC (plectin; minus strand). Cytogenetic location: 8q24.3.
Variant type: single nucleotide variant.
Coding change: c.1042-4A>G on transcript NM_201384.3 (MANE Select); 4 bases into the intron before coding-DNA position 1042, A replaced by G.
Molecular consequence: intron variant.
Genome position (GRCh38, 1-based): chr8:143,934,449, T>C on the plus strand (A>G on the coding strand, the complement: PLEC is on the minus strand). VCF-style: chr8-143934449-T-C. GRCh37 (hg19) VCF-style: chr8-145008617-T-C.
Other names: p.?; c.1123-4A>G (NM_000445.5); c.1000-4A>G (NM_201378.4); c.976-4A>G (NM_201379.3); c.1453-4A>G (NM_201380.4); c.946-4A>G (NM_201381.3); c.1042-4A>G (NM_201382.4); c.1054-4A>G (NM_201383.3).
Identifiers: ClinVar variation 286318 (VCV000286318.20), dbSNP rs112966803, ClinGen allele CA4928184.

ClinVar aggregate classification (germline): Benign/Likely benign. Review status: criteria provided, multiple submitters, no conflicts (2 of 4 stars). 7 submissions from 7 submitters: Benign (2); Likely benign (4). 1 of the submissions does not count toward it. Last evaluated 2025-12-22.

Conditions:
Autosomal recessive limb-girdle muscular dystrophy type 2Q (LGMDR17). Also called: MUSCULAR DYSTROPHY, LIMB-GIRDLE, AUTOSOMAL RECESSIVE 17. Identifiers: Orphanet 254361, MedGen C3150989, MONDO:0013390, OMIM 613723.
Epidermolysis bullosa simplex with nail dystrophy (EBS5D). Identifiers: MedGen C4225309, MONDO:0014661, OMIM 616487.
Epidermolysis bullosa simplex 5C, with pyloric atresia (EBS5C). Also called: PLEC1-Related Epidermolysis Bullosa with Pyloric Atresia; PLEC-Related Epidermolysis Bullosa with Pyloric Atresia; Epidermolysis bullosa simplex with pyloric atresia. Identifiers: Orphanet 158684, MedGen C2677349, MONDO:0012807, OMIM 612138.
Epidermolysis bullosa simplex, Ogna type (EBS5A). Also called: Pidermolysis bullosa simplex 5A, Ogna type; EPIDERMOLYSIS BULLOSA SIMPLEX 5A, OGNA TYPE. Identifiers: Orphanet 79401, MedGen C0432317, MONDO:0007555, OMIM 131950.
Epidermolysis bullosa simplex 5B, with muscular dystrophy (EBS5B). Also called: Epidermolysis bullosa simplex with muscular dystrophy; EPIDERMOLYSIS BULLOSA SIMPLEX AND LIMB-GIRDLE MUSCULAR DYSTROPHY. Identifiers: Orphanet 257, MedGen C2931072, MONDO:0009181, OMIM 226670.
PLEC-related disorder. Also called: PLEC-related disorders; PLEC-related condition.

Allele frequency attached by ClinVar (database versions not stated): 1000 Genomes Project 30x 0.00187; TOPMed 0.00203; gnomAD exomes 0.00013 and 0.00034; ExAC 0.00040; ESP Exome Variant Server 0.00131; gnomAD 0.00166 and 0.00171; 1000 Genomes Project 0.00180.
gnomAD v4.1: 471 of 1,610,934 alleles (0.029%); highest among the groups gnomAD compares: African/African-American, 0.53%; 3 homozygotes.

Submissions (7):

Labcorp Genetics (formerly Invitae), Labcorp
Classification: Benign for Autosomal recessive limb-girdle muscular dystrophy type 2Q; Epidermolysis bullosa simplex, Ogna type; Epidermolysis bullosa simplex with nail dystrophy; Epidermolysis bullosa simplex 5C, with pyloric atresia; Epidermolysis bullosa simplex 5B, with muscular dystrophy. Last evaluated: 2025-12-22. Review status: criteria provided, single submitter. Criteria: Invitae Variant Classification Sherloc (09022015). Collection method: clinical testing. Allele origin: germline.

Women's Health and Genetics/Laboratory Corporation of America, LabCorp
Classification: Likely benign. Last evaluated: 2025-10-09. Review status: criteria provided, single submitter. Criteria: LabCorp Variant Classification Summary - May 2015. Collection method: clinical testing. Allele origin: germline.

Mayo Clinic Laboratories, Mayo Clinic
Classification: Likely benign. Last evaluated: 2025-02-26. Review status: criteria provided, single submitter. Criteria: ACMG Guidelines, 2015. Collection method: clinical testing. Allele origin: germline. Observed: 5 variant alleles.
Comment: BS1, BP4, BP7

Blueprint Genetics
Classification: Likely benign. Last evaluated: 2024-09-09. Review status: criteria provided, single submitter. Criteria: ACMG Guidelines, 2015. Collection method: clinical testing. Allele origin: germline.

GeneDx
Classification: Likely benign. Last evaluated: 2019-11-06. Review status: criteria provided, single submitter. Criteria: GeneDx Variant Classification Process June 2021. Collection method: clinical testing. Allele origin: germline. Affected: yes.

Eurofins Ntd Llc (ga)
Classification: Benign. Last evaluated: 2016-03-03. Review status: criteria provided, single submitter. Criteria: EGL Classification Definitions 2015. Collection method: clinical testing. Allele origin: germline. Observed: 1 variant allele, 1 heterozygote.

PreventionGenetics, part of Exact Sciences
Classification: Likely benign for PLEC-related condition. Last evaluated: 2019-10-28. Review status: no assertion criteria provided. Collection method: clinical testing. Allele origin: germline. Not counted in ClinVar's aggregate classification.
Comment: This variant is classified as likely benign based on ACMG/AMP sequence variant interpretation guidelines (Richards et al. 2015 PMID: 25741868, with internal and published modifications).